The following is an entry in ClinVar:

NM_024642.5(GALNT12):c.1667G>C (p.Ser556Thr)

Gene: GALNT12 (polypeptide N-acetylgalactosaminyltransferase 12; plus strand). Cytogenetic location: 9q22.33.
Variant type: single nucleotide variant.
Coding change: c.1667G>C on transcript NM_024642.5 (MANE Select); coding-DNA position 1667, G replaced by C.
Protein change: p.Ser556Thr; replaces serine 556 with threonine.
Molecular consequence: missense variant.
Genome position (GRCh38, 1-based): chr9:98,849,013, G>C. VCF-style: chr9-98849013-G-C. GRCh37 (hg19) VCF-style: chr9-101611295-G-C.
Other names: short protein forms S556T.
Identifiers: ClinVar variation 3280589 (VCV003280589.1).

ClinVar aggregate classification (germline): Uncertain significance (1 of 4 stars; one submission).

Submission:

Ambry Genetics
Classification: Uncertain significance. Last evaluated: 2024-06-06. Review status: criteria provided, single submitter. Criteria: Ambry Variant Classification Scheme 2023. Collection method: clinical testing. Allele origin: germline.
Comment: The p.S556T variant (also known as c.1667G>C), located in coding exon 10 of the GALNT12 gene, results from a G to C substitution at nucleotide position 1667. The serine at codon 556 is replaced by threonine, an amino acid with similar properties. This amino acid position is conserved. In addition, this alteration is predicted to be tolerated by in silico analysis. Based on the available evidence, the clinical significance of this variant remains unclear.